The following is an entry in ClinVar:

ClinVar aggregate classification (germline): Uncertain significance (1 of 4 stars; one submission).

Conditions:
Regional enteritis. Also called: Enteritis, Granulomatous. Identifiers: MedGen C0678202, MeSH D003424.
Blau syndrome (BLAUS). Also called: ARTHROCUTANEOUVEAL GRANULOMATOSIS; GRANULOMATOSIS, FAMILIAL JUVENILE SYSTEMIC; GRANULOMATOSIS, FAMILIAL, BLAU TYPE; GRANULOMATOUS INFLAMMATORY ARTHRITIS, DERMATITIS, AND UVEITIS, FAMILIAL; JABS SYNDROME. Identifiers: Orphanet 90340, MedGen C5201146, MONDO:0008523, OMIM 186580.

Submission:

Labcorp Genetics (formerly Invitae), Labcorp
Classification: Uncertain significance for Regional enteritis; Blau syndrome. Last evaluated: 2023-11-10. Review status: criteria provided, single submitter. Criteria: Invitae Variant Classification Sherloc (09022015). Collection method: clinical testing. Allele origin: germline.
Comment: This sequence change creates a premature translational stop signal (p.Ala1000Glnfs*26) in the NOD2 gene. While this is not anticipated to result in nonsense mediated decay, it is expected to disrupt the last 41 amino acid(s) of the NOD2 protein. This variant is not present in population databases (gnomAD no frequency). This variant has not been reported in the literature in individuals affected with NOD2-related conditions. In summary, the available evidence is currently insufficient to determine the role of this variant in disease. Therefore, it has been classified as a Variant of Uncertain Significance.

NM_001370466.1(NOD2):c.2917del (p.Ala973fs)

Genes: NOD2 (nucleotide binding oligomerization domain containing 2; plus strand), CYLD-AS1 (CYLD antisense RNA 1; minus strand). Cytogenetic location: 16q12.1.
Variant type: Deletion.
Coding change: c.2917del on transcript NM_001370466.1 (MANE Select); coding-DNA position 2917, one base deleted (G; older notation c.2917delG).
Protein change: p.Ala973fs; shifts the reading frame from alanine 973.
Molecular consequence: frameshift variant. On other transcripts: non-coding transcript variant (3).
Genome position (GRCh38, 1-based): chr16:50,729,849, G deleted; the last of 4 consecutive G bases (chr16:50,729,846-50,729,849); deleting any one gives the same sequence. VCF-style (leftmost placement, unchanged base first): chr16-50729845-AG-A. GRCh37 (hg19) VCF-style: chr16-50763756-AG-A.
Other names: c.2917del, p.Ala973fs (NM_001293557.2); c.2998del, p.Ala1000fs (NM_022162.3); short protein forms A1000fs, A973fs.
Identifiers: ClinVar variation 2925554 (VCV002925554.3), dbSNP rs1965391642, ClinGen allele CA977236732.